The following is an entry in ClinVar:

ClinVar aggregate classification (germline): Benign. Review status: criteria provided, multiple submitters, no conflicts (2 of 4 stars). 4 submissions from 4 submitters: Benign (4). Last evaluated 2025-12-14.

Conditions:
Meier-Gorlin syndrome 5 (MGORS5). Identifiers: Orphanet 2554, MedGen C3151126, MONDO:0013432, OMIM 613805.

Allele frequency attached by ClinVar (database versions not stated): gnomAD exomes 0.00067 and 0.00178; ExAC 0.00208; gnomAD 0.00550 and 0.00591; TOPMed 0.00569; ESP Exome Variant Server 0.00584; 1000 Genomes Project 30x 0.00671; 1000 Genomes Project 0.00699.
gnomAD v4.1: 1,838 of 1,613,968 alleles (0.11%); highest among the groups gnomAD compares: African/African-American, 2%; 20 homozygotes.

Submissions (4):

Labcorp Genetics (formerly Invitae), Labcorp
Classification: Benign. Last evaluated: 2025-12-14. Review status: criteria provided, single submitter. Criteria: Invitae Variant Classification Sherloc (09022015). Collection method: clinical testing. Allele origin: germline.

Illumina Laboratory Services, Illumina
Classification: Benign for Meier-Gorlin syndrome 5. Last evaluated: 2018-01-12. Review status: criteria provided, single submitter. Criteria: ICSL Variant Classification Criteria 13 December 2019. Collection method: clinical testing. Allele origin: germline.
Comment: This variant was observed in the ICSL laboratory as part of a predisposition screen in an ostensibly healthy population. It had not been previously curated by ICSL or reported in the Human Gene Mutation Database (HGMD: prior to June 1st, 2018), and was therefore a candidate for classification through an automated scoring system. Utilizing variant allele frequency, disease prevalence and penetrance estimates, and inheritance mode, an automated score was calculated to assess if this variant is too frequent to cause the disease. Based on the score and internal cut-off values, a variant classified as benign is not then subjected to further curation. The score for this variant resulted in a classification of benign for this disease.

Genetic Services Laboratory, University of Chicago
Classification: Benign. Last evaluated: 2015-07-06. Review status: criteria provided, single submitter. Criteria: ACMG Guidelines, 2015. Collection method: clinical testing. Allele origin: germline.

Breakthrough Genomics
Classification: Benign. Review status: criteria provided, single submitter. Criteria: ACMG Guidelines, 2015. Collection method: not provided. Allele origin: germline. Inheritance: Autosomal recessive inheritance. Affected: yes.

NM_001254.4(CDC6):c.896C>T (p.Thr299Met)

Gene: CDC6 (cell division cycle 6; plus strand). Cytogenetic location: 17q21.2.
Variant type: single nucleotide variant.
Coding change: c.896C>T on transcript NM_001254.4 (MANE Select); coding-DNA position 896, C replaced by T.
Protein change: p.Thr299Met; replaces threonine 299 with methionine.
Molecular consequence: missense variant.
Genome position (GRCh38, 1-based): chr17:40,294,009, C>T. VCF-style: chr17-40294009-C-T. GRCh37 (hg19) VCF-style: chr17-38450261-C-T.
Other names: short protein forms T299M.
Identifiers: ClinVar variation 128639 (VCV000128639.20), dbSNP rs4135013, ClinGen allele CA152220.
Genomic context (GRCh38, chr17:40,294,009, plus strand): 5'-GTGTGTTGGTATTGGACGAGATGGATCAACTGGACAGCAAAGGCCAGGATGTATTGTACA[C>T]GCTATTTGAATGGCCATGGCTAAGCAATTCTCACTTGGTGCTGATTGGTTAGTGCTCAAT-3'
Protein context (NP_001245.1, residues 289-309): LDSKGQDVLY[Thr299Met]LFEWPWLSNS